The following is an entry in ClinVar:

NM_033343.4(LHX4):c.774C>T (p.Phe258=)

Genes: LHX4 (LIM homeobox 4; plus strand), ACBD6 (acyl-CoA binding domain containing 6; minus strand), LHX4-AS1 (LHX4 antisense RNA 1; minus strand). Cytogenetic location: 1q25.2.
Variant type: single nucleotide variant.
Coding change: c.774C>T on transcript NM_033343.4 (MANE Select); coding-DNA position 774, C replaced by T.
Protein change: p.Phe258=; no amino-acid change (phenylalanine 258 retained).
Molecular consequence: synonymous variant.
Genome position (GRCh38, 1-based): chr1:180,272,002, C>T. VCF-style: chr1-180272002-C-T. GRCh37 (hg19) VCF-style: chr1-180241137-C-T.
Identifiers: ClinVar variation 293867 (VCV000293867.5), dbSNP rs565803862, ClinGen allele CA1271995.

ClinVar aggregate classification (germline): Likely benign (1 of 4 stars; one submission).

Conditions:
Short stature-pituitary and cerebellar defects-small sella turcica syndrome (CPHD4). Also called: Pituitary hormone deficiency, combined with or without cerebellar defects; Short stature, pituitary and cerebellar defects and small sella turcica. Identifiers: Orphanet 85442, MedGen C2678408, MONDO:0009880, OMIM 262700.

Allele frequency attached by ClinVar (database versions not stated): gnomAD exomes 0.00002 and 0.00010; TOPMed 0.00005; ExAC 0.00006; gnomAD 0.00007 and 0.00009; 1000 Genomes Project 30x 0.00016; 1000 Genomes Project 0.00020.
gnomAD v4.1: 45 of 1,612,004 alleles (0.0028%); highest among the groups gnomAD compares: East Asian, 0.092%; no homozygotes.

Submission:

Illumina Laboratory Services, Illumina
Classification: Likely benign for Short stature-pituitary and cerebellar defects-small sella turcica syndrome. Last evaluated: 2018-01-12. Review status: criteria provided, single submitter. Criteria: ICSL Variant Classification Criteria 13 December 2019. Collection method: clinical testing. Allele origin: germline.
Comment: This variant was observed in the ICSL laboratory as part of a predisposition screen in an ostensibly healthy population. It had not been previously curated by ICSL or reported in the Human Gene Mutation Database (HGMD: prior to June 1st, 2018), and was therefore a candidate for classification through an automated scoring system. Utilizing variant allele frequency, disease prevalence and penetrance estimates, and inheritance mode, an automated score was calculated to assess if this variant is too frequent to cause the disease. Based on the score and internal cut-off values, a variant classified as likely benign is not then subjected to further curation. The score for this variant resulted in a classification of likely benign for this disease.